The following is an entry in ClinVar:

NC_000022.10:g.(?_29090010)_(29115483_?)del

Gene: CHEK2 (checkpoint kinase 2; minus strand). Cytogenetic location: 22q12.1.
Variant type: Deletion.
Identifiers: ClinVar variation 1070866 (VCV001070866.6).

ClinVar aggregate classification (germline): Pathogenic (1 of 4 stars; one submission).

Conditions:
Familial cancer of breast. Also called: Hereditary breast cancer; hereditary breast carcinoma; BREAST CANCER, FAMILIAL. Identifiers: Orphanet 227535, MedGen C0346153, MONDO:0016419, OMIM 114480. Disease mechanism: loss of function.

Submission:

Labcorp Genetics (formerly Invitae), Labcorp
Classification: Pathogenic for Familial cancer of breast. Last evaluated: 2020-02-11. Review status: criteria provided, single submitter. Criteria: Invitae Variant Classification Sherloc (09022015). Collection method: clinical testing. Allele origin: germline.
Comment: This variant is an out-of-frame deletion of the genomic region encompassing exon(s) 5-13 of the CHEK2 gene. This is expected to create a premature translational stop signal and result in an absent or disrupted protein product. For these reasons, this variant has been classified as Pathogenic. Loss-of-function variants in CHEK2 are known to be pathogenic (PMID: 21876083, 24713400). This variant has not been reported in the literature in individuals with CHEK2-related conditions.

Literature cited by the submitters: PubMed 21876083; PubMed 24713400.